The following is an entry in ClinVar:

ClinVar aggregate classification (germline): Uncertain significance (1 of 4 stars; one submission).

Conditions:
Ataxia - intellectual disability - oculomotor apraxia - cerebellar cysts syndrome. Also called: Poretti-Boltshauser syndrome. Identifiers: Orphanet 370022, MedGen C4014821, MONDO:0014419, OMIM 615960.

Submission:

Laboratorio de Genetica e Diagnostico Molecular, Hospital Israelita Albert Einstein
Classification: Uncertain significance for Ataxia - intellectual disability - oculomotor apraxia - cerebellar cysts syndrome. Last evaluated: 2023-05-15. Review status: criteria provided, single submitter. Criteria: ACMG Guidelines, 2015. Collection method: clinical testing. Allele origin: germline. Affected: yes.
Comment: ACMG classification criteria: PM2 moderate, PP3 supporting

NM_005559.4(LAMA1):c.118A>G (p.Thr40Ala)

Gene: LAMA1 (laminin subunit alpha 1; minus strand). Cytogenetic location: 18p11.31.
Variant type: single nucleotide variant.
Coding change: c.118A>G on transcript NM_005559.4 (MANE Select); coding-DNA position 118, A replaced by G.
Protein change: p.Thr40Ala; replaces threonine 40 with alanine.
Molecular consequence: missense variant.
Genome position (GRCh38, 1-based): chr18:7,080,401, T>C on the plus strand (A>G on the coding strand, the complement: LAMA1 is on the minus strand). VCF-style: chr18-7080401-T-C. GRCh37 (hg19) VCF-style: chr18-7080400-T-C.
Other names: short protein forms T40A.
Identifiers: ClinVar variation 4056572 (VCV004056572.1).